The following is an entry in ClinVar:

ClinVar aggregate classification (germline): Uncertain significance. Review status: criteria provided, multiple submitters, no conflicts (2 of 4 stars). 2 submissions from 2 submitters: Uncertain significance (2). Last evaluated 2023-10-18.

Conditions:
Wilson disease (WND). Also called: Wilson's disease. Identifiers: Orphanet 905, MedGen C0019202, MONDO:0010200, OMIM 277900. Disease mechanism: loss of function.

Allele frequency attached by ClinVar (database versions not stated): gnomAD 0.00002.
gnomAD v4.1: 9 of 1,614,076 alleles (0.00056%); highest among the groups gnomAD compares: Non-Finnish European, 0.00076%; no homozygotes.

Submissions (2):

Color Diagnostics, LLC DBA Color Health
Classification: Uncertain significance for Wilson disease. Last evaluated: 2023-10-18. Review status: criteria provided, single submitter. Criteria: ACMG Guidelines, 2015. Collection method: clinical testing. Allele origin: germline.
Comment: This missense variant replaces arginine with serine at codon 11 of the ATP7B protein. Computational prediction suggests that this variant may not impact protein structure and function. To our knowledge, functional studies have not been reported for this variant. This variant has not been reported in individuals affected with ATP7B-related disorders in the literature. This variant has been identified in 1/249444 chromosomes in the general population by the Genome Aggregation Database (gnomAD). The available evidence is insufficient to determine the role of this variant in disease conclusively. Therefore, this variant is classified as a Variant of Uncertain Significance.

Labcorp Genetics (formerly Invitae), Labcorp
Classification: Uncertain significance for Wilson disease. Last evaluated: 2022-06-08. Review status: criteria provided, single submitter. Criteria: Invitae Variant Classification Sherloc (09022015). Collection method: clinical testing. Allele origin: germline.
Comment: This sequence change replaces arginine, which is basic and polar, with serine, which is neutral and polar, at codon 11 of the ATP7B protein (p.Arg11Ser). This variant is present in population databases (rs753613009, gnomAD 0.0009%). This variant has not been reported in the literature in individuals affected with ATP7B-related conditions. Advanced modeling of protein sequence and biophysical properties (such as structural, functional, and spatial information, amino acid conservation, physicochemical variation, residue mobility, and thermodynamic stability) performed at Invitae indicates that this missense variant is not expected to disrupt ATP7B protein function. In summary, the available evidence is currently insufficient to determine the role of this variant in disease. Therefore, it has been classified as a Variant of Uncertain Significance.

NM_000053.4(ATP7B):c.33A>T (p.Arg11Ser)

Gene: ATP7B (ATPase copper transporting beta; minus strand). Cytogenetic location: 13q14.3.
Variant type: single nucleotide variant.
Coding change: c.33A>T on transcript NM_000053.4 (MANE Select); coding-DNA position 33, A replaced by T.
Protein change: p.Arg11Ser; replaces arginine 11 with serine.
Molecular consequence: missense variant.
Genome position (GRCh38, 1-based): chr13:52,011,305, T>A on the plus strand (A>T on the coding strand, the complement: ATP7B is on the minus strand). VCF-style: chr13-52011305-T-A. GRCh37 (hg19) VCF-style: chr13-52585441-T-A.
Other names: c.33A>T, p.Arg11Ser (NM_001005918.3, NM_001243182.2, NM_001330578.2 and 30 more transcripts); c.-155A>T (NM_001406518.1); c.-97A>T (NM_001406543.1, NM_001406539.1); short protein forms R11S.
Identifiers: ClinVar variation 2149962 (VCV002149962.2), dbSNP rs753613009, ClinGen allele CA6989715.
Genomic context (GRCh38, chr13:52,011,305, plus strand): 5'-GGGAGTGAGCACGCTGCGCGGACGCGGGGGAACAAAACTCACTTTCCGACTGGCCCCTTC[T>A]CTGGCTGTGATCTGTCTCTCCTGCTCAGGCATCGTCCCGCACGGACACCGAATTCTTCTC-3'
Protein context (NP_000044.2, residues 1-21): MPEQERQITA[Arg11Ser]EGASRKILSK